The following is an entry in ClinVar:

NM_001365999.1(SZT2):c.8242_8245del (p.Ser2748fs)

Gene: SZT2 (SZT2 subunit of KICSTOR complex; plus strand). Cytogenetic location: 1p34.2.
Variant type: Deletion.
Coding change: c.8242_8245del on transcript NM_001365999.1 (MANE Select); coding-DNA positions 8242 to 8245, 4 bases deleted (AGTG; older notation c.8242_8245delAGTG).
Protein change: p.Ser2748fs; shifts the reading frame from serine 2748.
Molecular consequence: frameshift variant.
Genome position (GRCh38, 1-based): chr1:43,442,909-43,442,912, AGTG deleted; deleting any 4 consecutive bases within chr1:43,442,907-43,442,912 gives the same sequence; the c. name uses the placement nearest the transcript's 3' end. VCF-style (leftmost placement, unchanged base first): chr1-43442906-CTGAG-C. GRCh37 (hg19) VCF-style: chr1-43908577-CTGAG-C.
Other names: c.8071_8074del, p.Ser2691fs (NM_015284.4); short protein forms S2691fs, S2748fs.
Identifiers: ClinVar variation 2195085 (VCV002195085.4), dbSNP rs750488007, ClinGen allele CA810493.
Genomic context (GRCh38, chr1:43,442,906, plus strand): 5'-ATGGAAGTGGAGACCCTCATCCGGAGTGCAAGTCCCCCGCTGAGCCGTGAGCAGGGCCGA[CTGAG>C]TGGGTCCTCTCGTGGTGGGGGTCCTCTTCCCCTGGACACATTCCCCTTTGACGAGGCCCT-3'

ClinVar aggregate classification (germline): Pathogenic (1 of 4 stars; one submission).

Submission:

Labcorp Genetics (formerly Invitae), Labcorp
Classification: Pathogenic. Last evaluated: 2024-04-08. Review status: criteria provided, single submitter. Criteria: Invitae Variant Classification Sherloc (09022015). Collection method: clinical testing. Allele origin: germline.
Comment: This sequence change creates a premature translational stop signal (p.Ser2691Glyfs*20) in the SZT2 gene. It is expected to result in an absent or disrupted protein product. Loss-of-function variants in SZT2 are known to be pathogenic (PMID: 23932106, 27248490, 28556953). This variant is present in population databases (rs750488007, gnomAD 0.003%). This variant has not been reported in the literature in individuals affected with SZT2-related conditions. ClinVar contains an entry for this variant (Variation ID: 2195085). For these reasons, this variant has been classified as Pathogenic.

Literature cited by the submitters: PubMed 23932106; PubMed 27248490; PubMed 28556953.